The following is an entry in ClinVar:

NM_005267.5(GJA8):c.136G>C (p.Gly46Arg)

Gene: GJA8 (gap junction protein alpha 8; plus strand). Cytogenetic location: 1q21.2.
Variant type: single nucleotide variant.
Coding change: c.136G>C on transcript NM_005267.5 (MANE Select); coding-DNA position 136, G replaced by C.
Protein change: p.Gly46Arg; replaces glycine 46 with arginine.
Molecular consequence: missense variant.
Genome position (GRCh38, 1-based): chr1:147,908,091, G>C. VCF-style: chr1-147908091-G-C. GRCh37 (hg19) VCF-style: chr1-147380218-G-C.
Other names: short protein forms G46R.
Identifiers: ClinVar variation 4768435 (VCV004768435.1).

ClinVar aggregate classification (germline): Pathogenic (1 of 4 stars; one submission).

Conditions:
Cataract 1 multiple types. Also called: CATARACT, DUFFY-LINKED; CATARACT 1, NUCLEAR PROGRESSIVE; CATARACT 1, POSTERIOR SUBCAPSULAR, WITH MICROCORNEA; CATARACT 1, STELLATE NUCLEAR, WITH MICROCORNEA; CATARACT 1, MULTIPLE TYPES, WITH OR WITHOUT MICROCORNEA; CATARACT 1 WITH MICROCORNEA. Identifiers: Orphanet 1377, MedGen C1861828, MONDO:0007285, OMIM 116200.

Submission:

Labcorp Genetics (formerly Invitae), Labcorp
Classification: Pathogenic for Cataract 1 multiple types. Last evaluated: 2025-07-31. Review status: criteria provided, single submitter. Criteria: Invitae Variant Classification Sherloc (09022015). Collection method: clinical testing. Allele origin: germline.
Comment: This sequence change replaces glycine, which is neutral and non-polar, with arginine, which is basic and polar, at codon 46 of the GJA8 protein (p.Gly46Arg). This variant is not present in population databases (gnomAD no frequency). This missense change has been observed in individuals with autosomal dominant congenital cataracts (PMID: 21686328; internal data). Invitae Evidence Modeling of protein sequence and biophysical properties (such as structural, functional, and spatial information, amino acid conservation, physicochemical variation, residue mobility, and thermodynamic stability) indicates that this missense variant is expected to disrupt GJA8 protein function with a positive predictive value of 95%. This variant disrupts the p.Gly46 amino acid residue in GJA8. Other variant(s) that disrupt this residue have been determined to be pathogenic (PMID: 19684000, 21228318). This suggests that this residue is clinically significant, and that variants that disrupt this residue are likely to be disease-causing. For these reasons, this variant has been classified as Pathogenic.

Literature cited by the submitters: PubMed 21686328; PubMed 19684000; PubMed 21228318.